The following is an entry in ClinVar:

ClinVar aggregate classification (germline): Likely benign. Review status: criteria provided, multiple submitters, no conflicts (2 of 4 stars). 3 submissions from 3 submitters: Likely benign (3). Last evaluated 2025-05-18.

Conditions:
Cardiovascular phenotype. Identifiers: MedGen CN230736.
Cutis laxa, autosomal recessive, type 1B (ARCL1B). Also called: EFEMP2-Related Cutis Laxa; CUTIS LAXA, AUTOSOMAL RECESSIVE, TYPE IB. Identifiers: Orphanet 90349, MedGen C3280798, MONDO:0013754, OMIM 614437. Disease mechanism: loss of function.

Allele frequency attached by ClinVar (database versions not stated): gnomAD exomes below 0.00001 and 0.00001.
gnomAD v4.1: 6 of 1,613,946 alleles (0.00037%); highest among the groups gnomAD compares: Middle Eastern, 0.033%; no homozygotes.

Submissions (3):

Ambry Genetics
Classification: Likely benign for Cardiovascular phenotype. Last evaluated: 2025-05-18. Review status: criteria provided, single submitter. Criteria: Ambry Variant Classification Scheme 2023. Collection method: clinical testing. Allele origin: germline.

Labcorp Genetics (formerly Invitae), Labcorp
Classification: Likely benign for Cutis laxa, autosomal recessive, type 1B. Last evaluated: 2025-05-02. Review status: criteria provided, single submitter. Criteria: Invitae Variant Classification Sherloc (09022015). Collection method: clinical testing. Allele origin: germline.

GeneDx
Classification: Likely benign. Last evaluated: 2018-05-01. Review status: criteria provided, single submitter. Criteria: GeneDx Variant Classification (06012015). Collection method: clinical testing. Allele origin: germline. Affected: yes.
Comment: This variant is considered likely benign or benign based on one or more of the following criteria: it is a conservative change, it occurs at a poorly conserved position in the protein, it is predicted to be benign by multiple in silico algorithms, and/or has population frequency not consistent with disease.

NM_016938.5(EFEMP2):c.756C>T (p.Tyr252=)

Gene: EFEMP2 (EGF-like fibulin extracellular matrix protein 2; minus strand). Cytogenetic location: 11q13.1.
Variant type: single nucleotide variant.
Coding change: c.756C>T on transcript NM_016938.5 (MANE Select); coding-DNA position 756, C replaced by T.
Protein change: p.Tyr252=; no amino-acid change (tyrosine 252 retained).
Molecular consequence: synonymous variant. On other transcripts: non-coding transcript variant (1).
Genome position (GRCh38, 1-based): chr11:65,868,601, G>A on the plus strand (C>T on the coding strand, the complement: EFEMP2 is on the minus strand). VCF-style: chr11-65868601-G-A. GRCh37 (hg19) VCF-style: chr11-65636072-G-A.
Identifiers: ClinVar variation 682444 (VCV000682444.5), dbSNP rs1391116927, ClinGen allele CA475316868.